The following is an entry in ClinVar:

ClinVar aggregate classification (germline): Benign/Likely benign. Review status: criteria provided, multiple submitters, no conflicts (2 of 4 stars). 5 submissions from 5 submitters: Benign (1); Likely benign (3). 1 of the submissions does not count toward it. Last evaluated 2025-12-22.

Conditions:
Papillary renal cell carcinoma type 1 (RCCP1). Also called: RENAL CELL CARCINOMA, PAPILLARY, 1, SOMATIC; Renal adenocarcinoma; Renal cell carcinoma 1; Renal cell carcinoma, somatic. Identifiers: Orphanet 47044, MedGen C1336839, OMIM 605074, HP:0011797.
MET-related disorder. Also called: MET-related condition.
Renal cell carcinoma. Identifiers: Orphanet 217071, MedGen C0007134, MeSH D002292, MONDO:0005086, HP:0005584.
Hereditary cancer-predisposing syndrome. Also called: Neoplastic Syndromes, Hereditary; Tumor predisposition; Hereditary neoplastic syndrome; Hereditary Cancer Syndrome. Identifiers: Orphanet 140162, MedGen C0027672, MeSH D009386, MONDO:0015356.

Submissions (5):

Labcorp Genetics (formerly Invitae), Labcorp
Classification: Benign for Renal cell carcinoma. Last evaluated: 2025-12-22. Review status: criteria provided, single submitter. Criteria: Invitae Variant Classification Sherloc (09022015). Collection method: clinical testing. Allele origin: germline.

Myriad Genetics, Inc.
Classification: Likely benign for Papillary renal cell carcinoma type 1. Last evaluated: 2024-11-08. Review status: criteria provided, single submitter. Criteria: Myriad Autosomal Dominant, Autosomal Recessive and X-Linked Classification Criteria (2023). Collection method: clinical testing. Allele origin: unknown.
Comment: This variant is considered likely benign. This variant is intronic and is not expected to impact mRNA splicing.

GeneDx
Classification: Likely benign. Last evaluated: 2022-12-08. Review status: criteria provided, single submitter. Criteria: GeneDx Variant Classification Process June 2021. Collection method: clinical testing. Allele origin: germline. Affected: yes.
Comment: See Variant Classification Assertion Criteria.

Ambry Genetics
Classification: Likely benign for Hereditary cancer-predisposing syndrome. Last evaluated: 2016-10-14. Review status: criteria provided, single submitter. Criteria: Ambry Variant Classification Scheme 2023. Collection method: clinical testing. Allele origin: germline.

PreventionGenetics, part of Exact Sciences
Classification: Likely benign for MET-related condition. Last evaluated: 2022-01-18. Review status: no assertion criteria provided. Collection method: clinical testing. Allele origin: germline. Not counted in ClinVar's aggregate classification.
Comment: This variant is classified as likely benign based on ACMG/AMP sequence variant interpretation guidelines (Richards et al. 2015 PMID: 25741868, with internal and published modifications).

NM_000245.4(MET):c.1863-5dup

Gene: MET (MET proto-oncogene, receptor tyrosine kinase; plus strand). Cytogenetic location: 7q31.2.
Variant type: Duplication.
Coding change: c.1863-5dup on transcript NM_000245.4 (MANE Select); 5 bases into the intron before coding-DNA position 1863, one base duplicated (T; older notation c.1863-5dupT).
Molecular consequence: intron variant.
Genome position (GRCh38, 1-based): chr7:116,757,432, T duplicated; the last of 8 consecutive T bases (chr7:116,757,425-116,757,432); duplicating any one gives the same sequence. VCF-style (leftmost placement, unchanged base first): chr7-116757424-G-GT. GRCh37 (hg19) VCF-style: chr7-116397478-G-GT.
Other names: c.1863-5dup (NM_001127500.3, NM_001324401.3); c.573-5dup (NM_001324402.2); c.1863-5dupT (NM_001127500.2).
Identifiers: ClinVar variation 358687 (VCV000358687.22), dbSNP rs766900241, ClinGen allele CA4448306.